The following is an entry in ClinVar:

ClinVar aggregate classification (germline): Benign/Likely benign. Review status: criteria provided, multiple submitters, no conflicts (2 of 4 stars). 7 submissions from 7 submitters: Benign (5); Likely benign (1). 1 of the submissions does not count toward it. Last evaluated 2026-02-02.

Conditions:
Epilepsy, progressive myoclonic, 1B. Also called: PME. Identifiers: Orphanet 308, MedGen C2676254, MONDO:0012904, OMIM 612437.

Allele frequency attached by ClinVar (database versions not stated): gnomAD exomes 0.00286; 1000 Genomes Project 30x 0.01265; gnomAD 0.01133 and 0.01220; ESP Exome Variant Server 0.01430; 1000 Genomes Project 0.01118; ExAC 0.00352; TOPMed 0.01321.
gnomAD v4.1: 3,290 of 1,614,156 alleles (0.2%); highest among the groups gnomAD compares: African/African-American, 3.8%; 63 homozygotes.

Submissions (11):

Labcorp Genetics (formerly Invitae), Labcorp
Classification: Benign for Epilepsy, progressive myoclonic, 1B. Last evaluated: 2026-02-02. Review status: criteria provided, single submitter. Criteria: Invitae Variant Classification Sherloc (09022015). Collection method: clinical testing. Allele origin: germline.

Athena Diagnostics
Classification: Benign. Last evaluated: 2024-12-30. Review status: criteria provided, single submitter. Criteria: Athena Diagnostics Criteria. Collection method: clinical testing. Allele origin: unknown.
Comment: The frequency of this variant in the general population is higher than would generally be expected for pathogenic variants in this gene. This nucleotide position exhibits low evolutionary conservation.

Fulgent Genetics
Classification: Likely benign for Epilepsy, progressive myoclonic, 1B. Last evaluated: 2021-08-04. Review status: criteria provided, single submitter. Criteria: ACMG Guidelines, 2015. Collection method: clinical testing. Allele origin: unknown.

Ambry Genetics
Classification: Benign. Last evaluated: 2016-05-11. Review status: criteria provided, single submitter. Criteria: Ambry Variant Classification Scheme 2023. Collection method: clinical testing. Allele origin: germline.

GeneDx
Classification: Benign. Last evaluated: 2012-10-17. Review status: criteria provided, single submitter. Criteria: GeneDx Variant Classification (06012015). Collection method: clinical testing. Allele origin: germline. Affected: yes.
Comment: This variant is considered likely benign or benign based on one or more of the following criteria: it is a conservative change, it occurs at a poorly conserved position in the protein, it is predicted to be benign by multiple in silico algorithms, and/or has population frequency not consistent with disease.

Breakthrough Genomics
Classification: Benign. Review status: criteria provided, single submitter. Criteria: ACMG Guidelines, 2015. Collection method: not provided. Allele origin: germline. Inheritance: Autosomal recessive inheritance. Affected: yes.

Dr. Peter K. Rogan Lab, Western University
No classification provided (evidence only). Condition: Acute myeloid leukemia. Review status: no classification provided. Collection method: in vitro. Allele origin: not applicable. Functional consequence: retained intron. Not counted in ClinVar's aggregate classification.

Dr. Peter K. Rogan Lab, Western University
No classification provided (evidence only). Condition: Uterine corpus endometrial carcinoma. Review status: no classification provided. Collection method: in vitro. Allele origin: not applicable. Functional consequence: retained intron. Not counted in ClinVar's aggregate classification.

Dr. Peter K. Rogan Lab, Western University
No classification provided (evidence only). Condition: Uterine corpus endometrial carcinoma. Review status: no classification provided. Collection method: in vitro. Allele origin: not applicable. Functional consequence: retained intron. Not counted in ClinVar's aggregate classification.

Dr. Peter K. Rogan Lab, Western University
No classification provided (evidence only). Condition: Ovarian serous cystadenocarcinoma. Review status: no classification provided. Collection method: in vitro. Allele origin: not applicable. Functional consequence: retained intron. Not counted in ClinVar's aggregate classification.

Genetic Services Laboratory, University of Chicago
Classification: Likely benign for AllHighlyPenetrant. Review status: no assertion criteria provided. Collection method: clinical testing. Allele origin: germline. Inheritance: Autosomal recessive inheritance. Not counted in ClinVar's aggregate classification.
Comment: Likely benign based on allele frequency in 1000 Genomes Project or ESP global frequency and its presence in a patient with a rare or unrelated disease phenotype. NOT Sanger confirmed.

NM_153026.3(PRICKLE1):c.744G>A (p.Ala248=)

Gene: PRICKLE1 (prickle planar cell polarity protein 1; minus strand). Cytogenetic location: 12q12.
Variant type: single nucleotide variant.
Coding change: c.744G>A on transcript NM_153026.3 (MANE Select); coding-DNA position 744, G replaced by A.
Protein change: p.Ala248=; no amino-acid change (alanine 248 retained).
Molecular consequence: synonymous variant.
Genome position (GRCh38, 1-based): chr12:42,466,225, C>T on the plus strand (G>A on the coding strand, the complement: PRICKLE1 is on the minus strand). VCF-style: chr12-42466225-C-T. GRCh37 (hg19) VCF-style: chr12-42860027-C-T.
Other names: p.A248A:GCG>GCA; c.744G>A, p.Ala248= (NM_001144881.2, NM_001144882.2, NM_001144883.2).
Identifiers: ClinVar variation 130030 (VCV000130030.26), dbSNP rs34778200, ClinGen allele CA289003.
Genomic context (GRCh38, chr12:42,466,225, plus strand): 5'-CAGGGCAGACGGGCTGGCTGTGGACTTACCAATATGTTCCCCACAGGTTTCACAGTACTC[C>T]GCATAGAGAGACTCAAAACAGCCACAGCAGAAGGGGCGGCCGTCCTTCATGATATACCTC-3'
Protein context (NP_694571.2, residues 238-258): FCCGCFESLY[Ala248=]EYCETCGEHI